The following is an entry in ClinVar:

ClinVar aggregate classification (germline): Pathogenic (1 of 4 stars; one submission).

Conditions:
Bloom syndrome (BLM). Also called: Bloom-Torre-Machacek syndrome. Identifiers: Orphanet 125, MedGen C0005859, MONDO:0008876, OMIM 210900.

Submission:

Labcorp Genetics (formerly Invitae), Labcorp
Classification: Pathogenic for Bloom syndrome. Last evaluated: 2022-09-03. Review status: criteria provided, single submitter. Criteria: Invitae Variant Classification Sherloc (09022015). Collection method: clinical testing. Allele origin: germline.
Comment: For these reasons, this variant has been classified as Pathogenic. This variant has not been reported in the literature in individuals affected with BLM-related conditions. This variant is not present in population databases (gnomAD no frequency). This sequence change creates a premature translational stop signal (p.Ser163Leufs*16) in the BLM gene. It is expected to result in an absent or disrupted protein product. Loss-of-function variants in BLM are known to be pathogenic (PMID: 17407155).

Literature cited by the submitters: PubMed 17407155.

NM_000057.4(BLM):c.487del (p.Ser163fs)

Gene: BLM (BLM RecQ like helicase; plus strand). Cytogenetic location: 15q26.1.
Variant type: Deletion.
Coding change: c.487del on transcript NM_000057.4 (MANE Select); coding-DNA position 487, one base deleted (T; older notation c.487delT).
Protein change: p.Ser163fs; shifts the reading frame from serine 163.
Molecular consequence: frameshift variant. On other transcripts: 5 prime UTR variant (1).
Genome position (GRCh38, 1-based): chr15:90,749,755, T deleted; the last of 2 consecutive T bases (chr15:90,749,754-90,749,755); deleting either gives the same sequence. VCF-style (leftmost placement, unchanged base first): chr15-90749753-CT-C. GRCh37 (hg19) VCF-style: chr15-91292983-CT-C.
Other names: c.487del, p.Ser163fs (NM_001287246.2, NM_001287247.2); c.-805del (NM_001287248.2); short protein forms S163fs.
Identifiers: ClinVar variation 2028718 (VCV002028718.4), dbSNP rs2505392796, ClinGen allele CA2580090269.
Genomic context (GRCh38, chr15:90,749,753, plus strand): 5'-GTTCTTCACCAGATTCTTTAAGTACCATCAATGATTGGGATGATATGGATGACTTTGATA[CT>C]TCTGAGACTTCAAAATCATTTGTTACACCACCCCAAAGTCACTTTGTAAGAGTAAGCACT-3'